The following is an entry in ClinVar:

ClinVar aggregate classification (germline): Uncertain significance (1 of 4 stars; one submission).

Conditions:
Clark-Baraitser syndrome. Also called: Intellectual disability, autosomal dominant 49; MENTAL RETARDATION, AUTOSOMAL DOMINANT 49; BARAITSER SYNDROME; Mental retardation, tall stature, obesity, macrocephaly and typical facial features. Identifiers: Orphanet 600731, MedGen C2931130, MONDO:0030914, OMIM 617752.

gnomAD v4.1: 1 of 1,611,552 alleles (0.000062%); highest among the groups gnomAD compares: Non-Finnish European, 0.000085%; no homozygotes.

Submission:

Victorian Clinical Genetics Services, Murdoch Childrens Research Institute
Classification: Uncertain significance for Clark-Baraitser syndrome. Last evaluated: 2025-06-16. Review status: criteria provided, single submitter. Criteria: ACMG Guidelines, 2015. Collection method: clinical testing. Allele origin: germline. Affected: yes.
Comment: This variant is classified as VUS-3B. Evidence in support of pathogenic classification: Variant is present in gnomAD <0.001 for a dominant condition (v4: 1 heterozygote(s), 0 homozygote(s)). Additional information: Variant is predicted to result in a missense amino acid change from asparagine to serine; This variant is non-coding in several alternative transcripts, where it is located in the splice acceptor site; This variant is heterozygous; This gene is associated with autosomal dominant disease; This variant has no previous evidence of pathogenicity; No published segregation evidence has been identified for this variant; No published functional evidence has been identified for this variant; Another missense variant comparable to the one identified in this case has inconclusive previous evidence for pathogenicity. The p.(Asn1327Thr) variant has been classified as a VUS by a clinical laboratory in ClinVar; Variant is not located in an established domain, motif, hotspot or informative constraint region; Missense variant predicted to be tolerated by in silico tool(s) or not conserved in placental mammals with a minor amino acid change. However, it is predicted to create a new splice acceptor site; Loss of function is a known mechanism of disease in this gene and is associated with intellectual developmental disorder, autosomal dominant 49 (MIM#617752); Inheritance information for this variant is not currently available in this individual.

NM_001348323.3(TRIP12):c.3980A>G (p.Asn1327Ser)

Gene: TRIP12 (thyroid hormone receptor interactor 12; minus strand). Cytogenetic location: 2q36.3.
Variant type: single nucleotide variant.
Coding change: c.3980A>G on transcript NM_001348323.3 (MANE Select); coding-DNA position 3980, A replaced by G.
Protein change: p.Asn1327Ser; replaces asparagine 1327 with serine.
Molecular consequence: missense variant. On other transcripts: intron variant (7).
Genome position (GRCh38, 1-based): chr2:229,793,134, T>C on the plus strand (A>G on the coding strand, the complement: TRIP12 is on the minus strand). VCF-style: chr2-229793134-T-C. GRCh37 (hg19) VCF-style: chr2-230657850-T-C.
Other names: c.3983A>G, p.Asn1328Ser (NM_001348330.2, NM_001348328.1, NM_001348329.2); c.3902A>G, p.Asn1301Ser (NM_001348333.1); c.3755A>G, p.Asn1252Ser (NM_004238.3); c.3762-4A>G (NM_001348331.1); c.3843-4A>G (NM_001348317.1, NM_001348318.2); c.3882-4A>G (NM_001348332.1); c.3969-4A>G (NM_001348319.1, NM_001348320.2); c.3972-4A>G (NM_001348321.1); and 4 more; short protein forms N1252S, N1285S, N1300S, N1301S, N1327S, N1328S, N982S.
Identifiers: ClinVar variation 4531844 (VCV004531844.1).